The following is an entry in ClinVar:

NM_018706.7(DHTKD1):c.2016C>T (p.Ala672=)

Gene: DHTKD1 (dehydrogenase E1 and transketolase domain containing 1; plus strand). Cytogenetic location: 10p14.
Variant type: single nucleotide variant.
Coding change: c.2016C>T on transcript NM_018706.7 (MANE Select); coding-DNA position 2016, C replaced by T.
Protein change: p.Ala672=; no amino-acid change (alanine 672 retained).
Molecular consequence: synonymous variant.
Genome position (GRCh38, 1-based): chr10:12,106,365, C>T. VCF-style: chr10-12106365-C-T. GRCh37 (hg19) VCF-style: chr10-12148364-C-T.
Other names: c.2016C>T (NM_018706.6).
Identifiers: ClinVar variation 1586420 (VCV001586420.10), dbSNP rs750587155, ClinGen allele CA5408096.

ClinVar aggregate classification (germline): Likely benign. Review status: criteria provided, multiple submitters, no conflicts (2 of 4 stars). 3 submissions from 3 submitters: Likely benign (3). Last evaluated 2026-07-07.

Conditions:
DHTKD1-related disorder. Also called: DHTKD1-related condition.
2-aminoadipic 2-oxoadipic aciduria (AAKAD). Also called: Aminoadipic aciduria; ALPHA-AMINOADIPIC AND ALPHA-KETOADIPIC ACIDURIA. Identifiers: Orphanet 79154, MedGen C1859817, MONDO:0008774, OMIM 204750.

Allele frequency attached by ClinVar (database versions not stated): gnomAD exomes 0.00002; TOPMed 0.00002; ExAC 0.00003; gnomAD 0.00003.
gnomAD v4.1: 34 of 1,614,028 alleles (0.0021%); highest among the groups gnomAD compares: Non-Finnish European, 0.0025%; no homozygotes.

Submissions (3):

PreventionGenetics, part of Exact Sciences
Classification: Likely benign for DHTKD1-related condition. Last evaluated: 2026-07-07. Review status: criteria provided, single submitter. Criteria: ACMG Guidelines, 2015. Collection method: clinical testing. Allele origin: germline.
Comment: This variant is classified as likely benign based on ACMG/AMP sequence variant interpretation guidelines (Richards et al. 2015 PMID: 25741868, with internal and published modifications).

Labcorp Genetics (formerly Invitae), Labcorp
Classification: Likely benign for 2-aminoadipic 2-oxoadipic aciduria. Last evaluated: 2025-12-11. Review status: criteria provided, single submitter. Criteria: Invitae Variant Classification Sherloc (09022015). Collection method: clinical testing. Allele origin: germline.

Blueprint Genetics
Classification: Likely benign. Last evaluated: 2021-09-06. Review status: criteria provided, single submitter. Criteria: ACMG Guidelines, 2015. Collection method: clinical testing. Allele origin: germline.